The following is an entry in ClinVar:

ClinVar aggregate classification (germline): Uncertain significance. Review status: criteria provided, multiple submitters, no conflicts (2 of 4 stars). 2 submissions from 2 submitters: Uncertain significance (2). Last evaluated 2026-06-05.

Conditions:
Cutis laxa, autosomal recessive, type 1B (ARCL1B). Also called: CUTIS LAXA, AUTOSOMAL RECESSIVE, TYPE IB; EFEMP2-Related Cutis Laxa. Identifiers: Orphanet 90349, MedGen C3280798, MONDO:0013754, OMIM 614437. Disease mechanism: loss of function.

Allele frequency attached by ClinVar (database versions not stated): gnomAD exomes below 0.00001; TOPMed below 0.00001.
gnomAD v4.1: 5 of 1,614,128 alleles (0.00031%); highest among the groups gnomAD compares: Non-Finnish European, 0.00042%; no homozygotes.

Submissions (2):

Women's Health and Genetics/Laboratory Corporation of America, LabCorp
Classification: Uncertain significance. Last evaluated: 2026-06-05. Review status: criteria provided, single submitter. Criteria: LabCorp Variant Classification Summary - May 2015. Collection method: clinical testing. Allele origin: germline.

Labcorp Genetics (formerly Invitae), Labcorp
Classification: Uncertain significance for Cutis laxa, autosomal recessive, type 1B. Last evaluated: 2022-06-12. Review status: criteria provided, single submitter. Criteria: Invitae Variant Classification Sherloc (09022015). Collection method: clinical testing. Allele origin: germline.
Comment: This sequence change replaces alanine, which is neutral and non-polar, with threonine, which is neutral and polar, at codon 402 of the EFEMP2 protein (p.Ala402Thr). This variant is not present in population databases (gnomAD no frequency). This variant has not been reported in the literature in individuals affected with EFEMP2-related conditions. Algorithms developed to predict the effect of missense changes on protein structure and function are either unavailable or do not agree on the potential impact of this missense change (SIFT: "Deleterious"; PolyPhen-2: "Benign"; Align-GVGD: "Class C55"). In summary, the available evidence is currently insufficient to determine the role of this variant in disease. Therefore, it has been classified as a Variant of Uncertain Significance.

NM_016938.5(EFEMP2):c.1204G>A (p.Ala402Thr)

Genes: EFEMP2 (EGF-like fibulin extracellular matrix protein 2; minus strand), MUS81 (MUS81 structure-specific endonuclease subunit; plus strand). Cytogenetic location: 11q13.1.
Variant type: single nucleotide variant.
Coding change: c.1204G>A on transcript NM_016938.5 (MANE Select); coding-DNA position 1204, G replaced by A.
Protein change: p.Ala402Thr; replaces alanine 402 with threonine.
Molecular consequence: missense variant. On other transcripts: non-coding transcript variant (1).
Genome position (GRCh38, 1-based): chr11:65,867,046, C>T on the plus strand (G>A on the coding strand, the complement: EFEMP2 is on the minus strand). VCF-style: chr11-65867046-C-T. GRCh37 (hg19) VCF-style: chr11-65634517-C-T.
Other names: short protein forms A402T.
Identifiers: ClinVar variation 2037589 (VCV002037589.2), dbSNP rs1859862751, ClinGen allele CA381349535.